The following is an entry in ClinVar:

NM_000069.3(CACNA1S):c.4385C>A (p.Thr1462Asn)

Gene: CACNA1S (calcium voltage-gated channel subunit alpha1 S; minus strand). Cytogenetic location: 1q32.1.
Variant type: single nucleotide variant.
Coding change: c.4385C>A on transcript NM_000069.3 (MANE Select); coding-DNA position 4385, C replaced by A.
Protein change: p.Thr1462Asn; replaces threonine 1462 with asparagine.
Molecular consequence: missense variant.
Genome position (GRCh38, 1-based): chr1:201,048,638, G>T on the plus strand (C>A on the coding strand, the complement: CACNA1S is on the minus strand). VCF-style: chr1-201048638-G-T. GRCh37 (hg19) VCF-style: chr1-201017766-G-T.
Other names: short protein forms T1462N.
Identifiers: ClinVar variation 657174 (VCV000657174.11), dbSNP rs1175915781, ClinGen allele CA344145009.
Genomic context (GRCh38, chr1:201,048,638, plus strand): 5'-TCACCTTCCGTCTTGATCTTGAGTGCCGTGCGGACCAGGGCAAAGAGTGTGGCATTGAAG[G>T]TGACTGTGCCGTCGCTGTTCAGGGGCATGTTCATGCCCACCAGCCGCTGTACAGGGAGAC-3'
Protein context (NP_000060.2, residues 1452-1472): NMPLNSDGTV[Thr1462Asn]FNATLFALVR

ClinVar aggregate classification (germline): Uncertain significance. Review status: criteria provided, multiple submitters, no conflicts (2 of 4 stars). 3 submissions from 3 submitters: Uncertain significance (3). Last evaluated 2026-07-01.

Conditions:
Malignant hyperthermia, susceptibility to, 5 (MHS5). Also called: CACNA1S-Related Malignant Hyperthermia Susceptibility. Identifiers: Orphanet 423, MedGen C1866077, MONDO:0011163, OMIM 601887.
Hypokalemic periodic paralysis, type 1. Also called: Hypokalemic Periodic Paralysis Type 1 (AD); HypoPP. Identifiers: Orphanet 681, MedGen C3714580, MONDO:0042979, OMIM 170400.
Inborn genetic diseases. Identifiers: MedGen C0950123, MeSH D030342.

Allele frequency attached by ClinVar (database versions not stated): gnomAD exomes below 0.00001; gnomAD 0.00001.
gnomAD v4.1: 6 of 1,613,822 alleles (0.00037%); highest among the groups gnomAD compares: Non-Finnish European, 0.00051%; no homozygotes.

Submissions (3):

Ambry Genetics
Classification: Uncertain significance for Inborn genetic diseases. Last evaluated: 2026-07-01. Review status: criteria provided, single submitter. Criteria: Ambry Variant Classification Scheme 2023. Collection method: clinical testing. Allele origin: germline.
Comment: The p.T1462N variant (also known as c.4385C>A), located in coding exon 36 of the CACNA1S gene, results from a C to A substitution at nucleotide position 4385. The threonine at codon 1462 is replaced by asparagine, an amino acid with similar properties. This amino acid position is conserved. In addition, this alteration is predicted to be tolerated by in silico analysis. Based on the available evidence, the clinical significance of this variant remains unclear.

Labcorp Genetics (formerly Invitae), Labcorp
Classification: Uncertain significance for Hypokalemic periodic paralysis, type 1; Malignant hyperthermia, susceptibility to, 5. Last evaluated: 2025-02-24. Review status: criteria provided, single submitter. Criteria: Invitae Variant Classification Sherloc (09022015). Collection method: clinical testing. Allele origin: germline.
Comment: This sequence change replaces threonine, which is neutral and polar, with asparagine, which is neutral and polar, at codon 1462 of the CACNA1S protein (p.Thr1462Asn). The frequency data for this variant in the population databases is considered unreliable, as metrics indicate poor data quality at this position in the gnomAD database. This variant has not been reported in the literature in individuals affected with CACNA1S-related conditions. ClinVar contains an entry for this variant (Variation ID: 657174). Invitae Evidence Modeling of protein sequence and biophysical properties (such as structural, functional, and spatial information, amino acid conservation, physicochemical variation, residue mobility, and thermodynamic stability) indicates that this missense variant is not expected to disrupt CACNA1S protein function with a negative predictive value of 95%. In summary, the available evidence is currently insufficient to determine the role of this variant in disease. Therefore, it has been classified as a Variant of Uncertain Significance.

All of Us Research Program, National Institutes of Health
Classification: Uncertain significance for Malignant hyperthermia, susceptibility to, 5. Last evaluated: 2023-12-18. Review status: criteria provided, single submitter. Criteria: ACMG Guidelines, 2015. Collection method: clinical testing. Allele origin: germline. Inheritance: Autosomal dominant inheritance. Observed: 1 variant allele, 1 heterozygote.
Comment: This missense variant replaces threonine with asparagine at codon 1462 of the CACNA1S protein. Computational prediction suggests that this variant may not impact protein structure and function (internally defined REVEL score threshold <= 0.5, PMID: 27666373). To our knowledge, functional studies have not been reported for this variant. This variant has not been reported in individuals affected with CACNA1S-related disorders in the literature. This variant has been identified in 1/251040 chromosomes in the general population by the Genome Aggregation Database (gnomAD). The available evidence is insufficient to determine the role of this variant in disease conclusively. Therefore, this variant is classified as a Variant of Uncertain Significance.

This study involves interpretation of variants in research participants for the purpose of population health screening. Participant phenotype was not available at the time of variant classification. Additional details can be found in publication PMID: 35346344, PMCID: PMC8962531